The following is an entry in ClinVar:

ClinVar aggregate classification (germline): Conflicting classifications of pathogenicity. Review status: criteria provided, conflicting classifications (1 of 4 stars). 4 submissions from 4 submitters: Uncertain significance (1); Likely benign (3). Last evaluated 2024-04-22.

Conditions:
RYR1-related disorder. Also called: RYR1-related condition; RYR1-related disorders. Identifiers: MedGen CN239331.
Malignant hyperthermia, susceptibility to, 1 (MHS1). Also called: Anesthesia related hyperthermia; Malignant hyperpyrexia; Fulminating hyperpyrexia; Pharmacogenic myopathy; Malignant hyperthermia suceptibility 1; RYR1-Related Malignant Hyperthermia Susceptibility. Identifiers: Orphanet 423, MedGen C2930980, MONDO:0007783, OMIM 145600.

Allele frequency attached by ClinVar (database versions not stated): gnomAD exomes below 0.00001 and 0.00002; TOPMed below 0.00001; gnomAD 0.00001; ExAC 0.00002; ESP Exome Variant Server 0.00008.
gnomAD v4.1: 5 of 1,611,870 alleles (0.00031%); highest among the groups gnomAD compares: Non-Finnish European, 0.00034%; no homozygotes.

Submissions (4):

Labcorp Genetics (formerly Invitae), Labcorp
Classification: Likely benign for RYR1-related disorder. Last evaluated: 2024-04-22. Review status: criteria provided, single submitter. Criteria: Invitae Variant Classification Sherloc (09022015). Collection method: clinical testing. Allele origin: germline.

Women's Health and Genetics/Laboratory Corporation of America, LabCorp
Classification: Uncertain significance. Last evaluated: 2023-09-20. Review status: criteria provided, single submitter. Criteria: LabCorp Variant Classification Summary - May 2015. Collection method: clinical testing. Allele origin: germline.
Comment: Variant summary: RYR1 c.7446T>C (p.Asp2482Asp) alters a non-conserved nucleotide located close to a canonical splice site and therefore could affect mRNA splicing, leading to a significantly altered protein sequence. 3/4 computational tools predict no significant impact on normal splicing. However, these predictions have yet to be confirmed by functional studies. The variant allele was found at a frequency of 1.6e-05 in 251222 control chromosomes (gnomAD). The available data on variant occurrences in the general population are insufficient to allow any conclusion about variant significance. To our knowledge, no occurrence of c.7446T>C in individuals affected with Malignant Hyperthermia Susceptibility and no experimental evidence demonstrating its impact on protein function have been reported. Two ClinVar submitters have assessed the variant since 2014, and both classified the variant as likely benign. Based on the evidence outlined above, the variant was classified as uncertain significance.

Color Diagnostics, LLC DBA Color Health
Classification: Likely benign for Malignant hyperthermia, susceptibility to, 1. Last evaluated: 2022-11-06. Review status: criteria provided, single submitter. Criteria: ACMG Guidelines, 2015. Collection method: clinical testing. Allele origin: germline.

GeneDx
Classification: Likely benign. Last evaluated: 2018-12-31. Review status: criteria provided, single submitter. Criteria: GeneDx Variant Classification Process June 2021. Collection method: clinical testing. Allele origin: germline. Affected: yes.

NM_000540.3(RYR1):c.7446T>C (p.Asp2482=)

Gene: RYR1 (ryanodine receptor 1; plus strand). Cytogenetic location: 19q13.2.
Variant type: single nucleotide variant.
Coding change: c.7446T>C on transcript NM_000540.3 (MANE Select); coding-DNA position 7446, T replaced by C.
Protein change: p.Asp2482=; no amino-acid change (aspartic acid 2482 retained).
Molecular consequence: synonymous variant.
Genome position (GRCh38, 1-based): chr19:38,500,822, T>C. VCF-style: chr19-38500822-T-C. GRCh37 (hg19) VCF-style: chr19-38991462-T-C.
Other names: c.7446T>C, p.Asp2482= (NM_001042723.2).
Identifiers: ClinVar variation 700090 (VCV000700090.13), dbSNP rs374058542, ClinGen allele CA069698.